The following is an entry in ClinVar:

NM_005618.4(DLL1):c.797G>A (p.Gly266Asp)

Gene: DLL1 (delta like canonical Notch ligand 1; minus strand). Cytogenetic location: 6q27.
Variant type: single nucleotide variant.
Coding change: c.797G>A on transcript NM_005618.4 (MANE Select); coding-DNA position 797, G replaced by A.
Protein change: p.Gly266Asp; replaces glycine 266 with aspartic acid.
Molecular consequence: missense variant.
Genome position (GRCh38, 1-based): chr6:170,285,634, C>T on the plus strand (G>A on the coding strand, the complement: DLL1 is on the minus strand). VCF-style: chr6-170285634-C-T. GRCh37 (hg19) VCF-style: chr6-170594722-C-T.
Other names: short protein forms G266D.
Identifiers: ClinVar variation 3372203 (VCV003372203.1).

ClinVar aggregate classification (germline): Uncertain significance (1 of 4 stars; one submission).

Submission:

GeneDx
Classification: Uncertain significance. Last evaluated: 2024-04-29. Review status: criteria provided, single submitter. Criteria: GeneDx Variant Classification Process June 2021. Collection method: clinical testing. Allele origin: germline. Affected: yes.
Comment: Reported in the published literature in a patient with periventricular nodular heterotopia who also harbors additional de novo potentially disease causing variants (PMID: 29738522); Not observed at significant frequency in large population cohorts (gnomAD); In silico analysis supports that this missense variant has a deleterious effect on protein structure/function; This variant is associated with the following publications: (PMID: 29738522)